The following is an entry in ClinVar:

ClinVar aggregate classification (germline): Uncertain significance (1 of 4 stars; one submission).

Conditions:
Retinoblastoma (RB1). Also called: RETINOBLASTOMA, SOMATIC. Identifiers: Orphanet 790, MedGen C0035335, MeSH D012175, MONDO:0008380, OMIM 180200, HP:0009919. Disease mechanism: loss of function. Inheritance: Both sporadic and heritable forms are tested..

Submission:

Labcorp Genetics (formerly Invitae), Labcorp
Classification: Uncertain significance for Retinoblastoma. Last evaluated: 2025-10-13. Review status: criteria provided, single submitter. Criteria: Invitae Variant Classification Sherloc (09022015). Collection method: clinical testing. Allele origin: germline.
Comment: This variant occurs in a non-coding region of the RB1 gene. It does not change the encoded amino acid sequence of the RB1 protein. This variant is not present in population databases (gnomAD no frequency). This variant has not been reported in the literature in individuals affected with RB1-related conditions. In summary, the available evidence is currently insufficient to determine the role of this variant in disease. Therefore, it has been classified as a Variant of Uncertain Significance.

NM_000321.3(RB1):c.-119C>T

Gene: RB1 (RB transcriptional corepressor 1; plus strand). Cytogenetic location: 13q14.2.
Variant type: single nucleotide variant.
Coding change: c.-119C>T on transcript NM_000321.3 (MANE Select); 119 bases upstream of the start codon, C replaced by T.
Molecular consequence: 5 prime UTR variant.
Genome position (GRCh38, 1-based): chr13:48,303,794, C>T. VCF-style: chr13-48303794-C-T. GRCh37 (hg19) VCF-style: chr13-48877930-C-T.
Other names: c.-119C>T (NM_001407165.1, NM_001407166.1, NM_001407167.1).
Identifiers: ClinVar variation 4732536 (VCV004732536.1).